The following is an entry in ClinVar:

ClinVar aggregate classification (germline): Uncertain significance. Review status: criteria provided, multiple submitters, no conflicts (2 of 4 stars). 2 submissions from 2 submitters: Uncertain significance (2). Last evaluated 2025-12-31.

Allele frequency attached by ClinVar (database versions not stated): gnomAD 0.00001; TOPMed 0.00001; ExAC 0.00002.
gnomAD v4.1: 11 of 1,613,946 alleles (0.00068%); highest among the groups gnomAD compares: Non-Finnish European, 0.00093%; no homozygotes.

Submissions (2):

Labcorp Genetics (formerly Invitae), Labcorp
Classification: Uncertain significance. Last evaluated: 2025-12-31. Review status: criteria provided, single submitter. Criteria: Invitae Variant Classification Sherloc (09022015). Collection method: clinical testing. Allele origin: germline.
Comment: This sequence change replaces leucine, which is neutral and non-polar, with valine, which is neutral and non-polar, at codon 225 of the NR3C1 protein (p.Leu225Val). This variant is present in population databases (rs750805075, gnomAD 0.002%). This variant has not been reported in the literature in individuals affected with NR3C1-related conditions. ClinVar contains an entry for this variant (Variation ID: 373547). An algorithm developed to predict the effect of missense changes on protein structure and function (PolyPhen-2) suggests that this variant is likely to be disruptive. In summary, the available evidence is currently insufficient to determine the role of this variant in disease. Therefore, it has been classified as a Variant of Uncertain Significance.

GeneDx
Classification: Uncertain significance. Last evaluated: 2016-12-01. Review status: criteria provided, single submitter. Criteria: GeneDx Variant Classification (06012015). Collection method: clinical testing. Allele origin: germline. Affected: yes.
Comment: The L225V variant in the NR3C1 gene has not been reported previously as a pathogenic variant, nor as a benign variant, to our knowledge. This variant was not observed in approximately 6500 individuals of European and African American ancestry in the NHLBI Exome Sequencing Project, indicating it is not a common benign variant in these populations. The L225V variant is a conservative amino acid substitution, which is not likely to impact secondary protein structure as these residues share similar properties. This substitution occurs at a position that is conserved across species. In silico analysis is inconsistent in its predictions as to whether or not the variant is damaging to the protein structure/function, and functional studies demonstrate that this variant results in only a mild reduction in glucocorticoid receptor activity (Almlof et al., 1997). We interpret L225V as a variant of uncertain significance.

NM_000176.3(NR3C1):c.673C>G (p.Leu225Val)

Gene: NR3C1 (nuclear receptor subfamily 3 group C member 1; minus strand). Cytogenetic location: 5q31.3.
Variant type: single nucleotide variant.
Coding change: c.673C>G on transcript NM_000176.3 (MANE Select); coding-DNA position 673, C replaced by G.
Protein change: p.Leu225Val; replaces leucine 225 with valine.
Molecular consequence: missense variant. On other transcripts: 5 prime UTR variant (3).
Genome position (GRCh38, 1-based): chr5:143,400,167, G>C on the plus strand (C>G on the coding strand, the complement: NR3C1 is on the minus strand). VCF-style: chr5-143400167-G-C. GRCh37 (hg19) VCF-style: chr5-142779732-G-C.
Other names: c.673C>G, p.Leu225Val (NM_001018074.1, NM_001018075.1, NM_001018076.2 and 10 more transcripts); c.595C>G, p.Leu199Val (NM_001204258.2); c.418C>G, p.Leu140Val (NM_001204259.2); c.406C>G, p.Leu136Val (NM_001204260.2); c.382C>G, p.Leu128Val (NM_001204261.2); c.-273C>G (NM_001204262.2); c.-318C>G (NM_001204263.2); c.-333C>G (NM_001204264.2); short protein forms L225V, L140V, L136V, L128V, L199V.
Identifiers: ClinVar variation 373547 (VCV000373547.2), dbSNP rs750805075, ClinGen allele CA3487036.